The following is an entry in ClinVar:

ClinVar aggregate classification (germline): Uncertain significance (1 of 4 stars; one submission).

Allele frequency attached by ClinVar (database versions not stated): gnomAD exomes 0.00001; ExAC 0.00002.
gnomAD v4.1: 15 of 1,614,162 alleles (0.00093%); highest among the groups gnomAD compares: South Asian, 0.0022%; no homozygotes.

Submission:

Labcorp Genetics (formerly Invitae), Labcorp
Classification: Uncertain significance. Last evaluated: 2023-10-13. Review status: criteria provided, single submitter. Criteria: Invitae Variant Classification Sherloc (09022015). Collection method: clinical testing. Allele origin: germline.
Comment: This sequence change affects codon 108 of the ATP1A1 mRNA. It is a 'silent' change, meaning that it does not change the encoded amino acid sequence of the ATP1A1 protein. This variant is present in population databases (rs752122295, gnomAD 0.01%). This variant has not been reported in the literature in individuals affected with ATP1A1-related conditions. ClinVar contains an entry for this variant (Variation ID: 2187330). Algorithms developed to predict the effect of sequence changes on RNA splicing suggest that this variant may create or strengthen a splice site. In summary, the available evidence is currently insufficient to determine the role of this variant in disease. Therefore, it has been classified as a Variant of Uncertain Significance.

NM_000701.8(ATP1A1):c.324G>A (p.Ala108=)

Gene: ATP1A1 (ATPase Na+/K+ transporting subunit alpha 1; plus strand). Cytogenetic location: 1p13.1.
Variant type: single nucleotide variant.
Coding change: c.324G>A on transcript NM_000701.8 (MANE Select); coding-DNA position 324, G replaced by A.
Protein change: p.Ala108=; no amino-acid change (alanine 108 retained).
Molecular consequence: synonymous variant.
Genome position (GRCh38, 1-based): chr1:116,387,428, G>A. VCF-style: chr1-116387428-G-A. GRCh37 (hg19) VCF-style: chr1-116930050-G-A.
Other names: c.324G>A, p.Ala108= (NM_001160233.2); c.231G>A, p.Ala77= (NM_001160234.2).
Identifiers: ClinVar variation 2187330 (VCV002187330.4), dbSNP rs752122295, ClinGen allele CA1025090.